The following is an entry in ClinVar:

NM_000093.5(COL5A1):c.305T>C (p.Ile102Thr)

Gene: COL5A1 (collagen type V alpha 1 chain; plus strand). Cytogenetic location: 9q34.3.
Variant type: single nucleotide variant.
Coding change: c.305T>C on transcript NM_000093.5 (MANE Select); coding-DNA position 305, T replaced by C.
Protein change: p.Ile102Thr; replaces isoleucine 102 with threonine.
Molecular consequence: missense variant.
Genome position (GRCh38, 1-based): chr9:134,699,936, T>C. VCF-style: chr9-134699936-T-C. GRCh37 (hg19) VCF-style: chr9-137591782-T-C.
Other names: c.305T>C, p.Ile102Thr (NM_001278074.1); short protein forms I102T.
Identifiers: ClinVar variation 521736 (VCV000521736.35), dbSNP rs1554781477, ClinGen allele CA375442430.

ClinVar aggregate classification (germline): Uncertain significance. Review status: criteria provided, multiple submitters, no conflicts (2 of 4 stars). 2 submissions from 2 submitters: Uncertain significance (2). Last evaluated 2022-04-01.

Conditions:
Inborn genetic diseases. Identifiers: MedGen C0950123, MeSH D030342.

Submissions (2):

CeGaT Center for Human Genetics Tuebingen
Classification: Uncertain significance. Last evaluated: 2022-04-01. Review status: criteria provided, single submitter. Criteria: CeGaT Center For Human Genetics Tuebingen Variant Classification Criteria Version 2. Collection method: clinical testing. Allele origin: germline. Affected: yes. Observed: 1 variant allele.
Comment: COL5A1: PM2, PM5

Ambry Genetics
Classification: Uncertain significance for Inborn genetic diseases. Last evaluated: 2017-04-21. Review status: criteria provided, single submitter. Criteria: Ambry exome assertion method (8-5-2015). Collection method: clinical testing. Allele origin: germline. Affected: yes. Observed: 1 variant allele.